The following is an entry in ClinVar:

NC_000009.11:g.(?_116041205)_(116155839_?)dup

Genes: ALAD (aminolevulinate dehydratase; minus strand), BSPRY (B-box and SPRY domain containing; plus strand), HDHD3 (haloacid dehalogenase like hydrolase domain containing 3; minus strand), PRPF4 (pre-mRNA splicing tri-snRNP complex factor PRPF4; plus strand), RNF183 (ring finger protein 183; minus strand) and 1 more. Cytogenetic location: 9q32.
Variant type: Duplication.
Identifiers: ClinVar variation 1411273 (VCV001411273.4).

ClinVar aggregate classification (germline): Uncertain significance (1 of 4 stars; one submission).

Submission:

Labcorp Genetics (formerly Invitae), Labcorp
Classification: Uncertain significance. Last evaluated: 2021-10-11. Review status: criteria provided, single submitter. Criteria: Invitae Variant Classification Sherloc (09022015). Collection method: clinical testing. Allele origin: germline.
Comment: In summary, the available evidence is currently insufficient to determine the role of this variant in disease. Therefore, it has been classified as a Variant of Uncertain Significance. This variant has not been reported in the literature in individuals affected with PRPF4-related conditions. This variant results in a copy number gain of the genomic region encompassing exon(s) 3-14 of the PRPF4 gene. This region includes the termination codon of the gene. This copy number gain extends beyond the assayed region for this gene and therefore may encompass additional genes. As the precise location of this event is unknown, it may be in tandem or it may be located elsewhere in the genome.